The following is an entry in ClinVar:

NM_004006.3(DMD):c.9298A>G (p.Asn3100Asp)

Gene: DMD (dystrophin; minus strand). Cytogenetic location: Xp21.2.
Variant type: single nucleotide variant.
Coding change: c.9298A>G on transcript NM_004006.3 (MANE Select); coding-DNA position 9298, A replaced by G.
Protein change: p.Asn3100Asp; replaces asparagine 3100 with aspartic acid.
Molecular consequence: missense variant.
Genome position (GRCh38, 1-based): chrX:31,223,110, T>C on the plus strand (A>G on the coding strand, the complement: DMD is on the minus strand). VCF-style: chrX-31223110-T-C. GRCh37 (hg19) VCF-style: chrX-31241227-T-C.
Other names: c.9274A>G, p.Asn3092Asp (NM_000109.4); c.9286A>G, p.Asn3096Asp (NM_004009.3); c.8929A>G, p.Asn2977Asp (NM_004010.3); c.5275A>G, p.Asn1759Asp (NM_004011.4); c.5266A>G, p.Asn1756Asp (NM_004012.4); c.1918A>G, p.Asn640Asp (NM_004013.3, NM_004020.4, NM_004021.3 and 2 more transcripts); c.1111A>G, p.Asn371Asp (NM_004014.3); c.94A>G, p.Asn32Asp (NM_004015.3, NM_004016.3, NM_004017.3 and 2 more transcripts); short protein forms N1756D, N1759D, N2977D, N3092D, N3096D, N3100D, N32D, N371D.
Identifiers: ClinVar variation 4800941 (VCV004800941.1).
Genomic context (GRCh38, chrX:31,223,110, plus strand): 5'-AAAGGGCCTTCTGCAGTCTTCGGAGTTTCATGGCAGTCCTATAAGCTGAGAATCTGACAT[T>C]ATTCAGGTCAGCTGAAAAGAGGGAAAACAAAGAGCATTTGTTATTCCATCAGAAATAACA-3'
Protein context (NP_003997.2, residues 3090-3110): ELYQSLADLN[Asn3100Asp]VRFSAYRTAM

ClinVar aggregate classification (germline): Uncertain significance (1 of 4 stars; one submission).

Conditions:
Duchenne muscular dystrophy (DMD). Also called: Duchenne Muscular Dystrophy (DMD); MUSCULAR DYSTROPHY, PSEUDOHYPERTROPHIC PROGRESSIVE, DUCHENNE TYPE. Identifiers: Orphanet 98896, MedGen C0013264, MONDO:0010679, OMIM 310200.

Submission:

Labcorp Genetics (formerly Invitae), Labcorp
Classification: Uncertain significance for Duchenne muscular dystrophy. Last evaluated: 2025-10-08. Review status: criteria provided, single submitter. Criteria: Invitae Variant Classification Sherloc (09022015). Collection method: clinical testing. Allele origin: germline.
Comment: This sequence change replaces asparagine, which is neutral and polar, with aspartic acid, which is acidic and polar, at codon 3100 of the DMD protein (p.Asn3100Asp). This variant is not present in population databases (gnomAD no frequency). This variant has not been reported in the literature in individuals affected with DMD-related conditions. Invitae Evidence Modeling of protein sequence and biophysical properties (such as structural, functional, and spatial information, amino acid conservation, physicochemical variation, residue mobility, and thermodynamic stability) indicates that this missense variant is not expected to disrupt DMD protein function with a negative predictive value of 95%. In summary, the available evidence is currently insufficient to determine the role of this variant in disease. Therefore, it has been classified as a Variant of Uncertain Significance.